The following is an entry in ClinVar:

NM_004006.3(DMD):c.31+4A>G

Gene: DMD (dystrophin; minus strand). Cytogenetic location: Xp21.1.
Variant type: single nucleotide variant.
Coding change: c.31+4A>G on transcript NM_004006.3 (MANE Select); 4 bases into the intron after coding-DNA position 31, A replaced by G.
Molecular consequence: intron variant.
Genome position (GRCh38, 1-based): chrX:33,211,278, T>C on the plus strand (A>G on the coding strand, the complement: DMD is on the minus strand). VCF-style: chrX-33211278-T-C. GRCh37 (hg19) VCF-style: chrX-33229395-T-C.
Other names: c.7+127981A>G (NM_000109.4).
Identifiers: ClinVar variation 547885 (VCV000547885.11), dbSNP rs1557300092, ClinGen allele CA658824503.

ClinVar aggregate classification (germline): Uncertain significance. Review status: criteria provided, multiple submitters, no conflicts (2 of 4 stars). 2 submissions from 2 submitters: Uncertain significance (2). Last evaluated 2022-03-19.

Conditions:
Dilated cardiomyopathy 3B (CMD3B). Also called: CMD3B: DMD-Related Dilated Cardiomyopathy; CARDIOMYOPATHY, DILATED, X-LINKED; DMD-Associated Dilated Cardiomyopathy. Identifiers: Orphanet 154, MedGen C3668940, MONDO:0010542, OMIM 302045.
Duchenne muscular dystrophy (DMD). Also called: Duchenne Muscular Dystrophy (DMD); MUSCULAR DYSTROPHY, PSEUDOHYPERTROPHIC PROGRESSIVE, DUCHENNE TYPE. Identifiers: Orphanet 98896, MedGen C0013264, MONDO:0010679, OMIM 310200.

Submissions (2):

Labcorp Genetics (formerly Invitae), Labcorp
Classification: Uncertain significance for Duchenne muscular dystrophy. Last evaluated: 2022-03-19. Review status: criteria provided, single submitter. Criteria: Invitae Variant Classification Sherloc (09022015). Collection method: clinical testing. Allele origin: germline.
Comment: In summary, the available evidence is currently insufficient to determine the role of this variant in disease. Therefore, it has been classified as a Variant of Uncertain Significance. Variants that disrupt the consensus splice site are a relatively common cause of aberrant splicing (PMID: 17576681, 9536098). Algorithms developed to predict the effect of sequence changes on RNA splicing suggest that this variant may disrupt the consensus splice site. ClinVar contains an entry for this variant (Variation ID: 547885). This variant has been observed in individual(s) with clinical features of DMD-related conditions (PMID: 33144682). This variant is not present in population databases (gnomAD no frequency). This sequence change falls in intron 1 of the DMD gene. It does not directly change the encoded amino acid sequence of the DMD protein. It affects a nucleotide within the consensus splice site.

Mayo Clinic Laboratories, Mayo Clinic
Classification: Uncertain significance for Dilated cardiomyopathy 3B. Last evaluated: 2016-11-11. Review status: criteria provided, single submitter. Criteria: ACMG Guidelines, 2015. Collection method: clinical testing. Allele origin: maternal.

Literature cited by the submitters: PubMed 17576681 (cited by Labcorp Genetics (formerly Invitae), Labcorp); PubMed 9536098 (cited by Labcorp Genetics (formerly Invitae), Labcorp); PubMed 33144682 (cited by Labcorp Genetics (formerly Invitae), Labcorp).